The following is an entry in ClinVar:

ClinVar aggregate classification (germline): Pathogenic. Review status: criteria provided, single submitter (1 of 4 stars). 2 submissions from 1 submitter: Pathogenic (2). Last evaluated 2017-08-18.

Conditions:
Inborn genetic diseases. Identifiers: MedGen C0950123, MeSH D030342.
Juvenile nephropathic cystinosis. Also called: Later-Onset (Juvenile) Cystinosis; Intermediate Cystinosis; CYSTINOSIS, LATE-ONSET JUVENILE OR ADOLESCENT NEPHROPATHIC TYPE. Identifiers: Orphanet 213, Orphanet 411634, MedGen C0268626, MONDO:0009066, OMIM 219900.
Ocular cystinosis. Also called: Non-Nephropathic (Ocular) Cystinosis; Non-Nephropathic Cystinosis. Identifiers: Orphanet 213, Orphanet 411641, MedGen C2931013, MONDO:0009064, OMIM 219750.
Nephropathic cystinosis (CTNS). Also called: Abderhalden Lignac Kaufmann disease; Abderhalden-Kaufmann-Lignac syndrome; CYSTINOSIN, DEFECT OF; LYSOSOMAL CYSTINE TRANSPORT PROTEIN, DEFECT OF. Identifiers: Orphanet 213, Orphanet 411629, MedGen C2931187, MONDO:0100151, OMIM 219800.

Submissions (2):

Labcorp Genetics (formerly Invitae), Labcorp
Classification: Pathogenic for Nephropathic cystinosis; Ocular cystinosis; Juvenile nephropathic cystinosis. Last evaluated: 2017-08-18. Review status: criteria provided, single submitter. Criteria: Invitae Variant Classification Sherloc (09022015). Collection method: clinical testing. Allele origin: germline.
Comment: This variant is a gross deletion of the genomic region encompassing exons 1-9 and the first 166 nucleotides of exon 10 of the CTNS gene, which includes the initiator codon. The 5' end of this event extends beyond the assayed region for this gene and therefore may encompass additional genes. This is expected to result in an absent or disrupted protein product. This variant is likely the common 57-Kb deletion, which is a known cause of cystinosis and has been associated with dysregulation of transcription in PBMC isolated fromcystinosis patients (PMID: 21546516). Loss-of-function variants in CTNS are known to be pathogenic (PMID: 9537412, 27102039). For these reasons, this variant has been classified as Pathogenic.

Labcorp Genetics (formerly Invitae), Labcorp
Classification: Pathogenic for Inborn genetic diseases; Ocular cystinosis; Juvenile nephropathic cystinosis. Last evaluated: 2017-08-09. Review status: criteria provided, single submitter. Criteria: Invitae Variant Classification Sherloc (09022015). Collection method: clinical testing. Allele origin: germline.
Comment: For these reasons, this variant has been classified as Pathogenic. Loss-of-function variants in CTNS are known to be pathogenic (PMID: 9537412, 27102039). This variant is likely the common 57-Kb deletion, which is a known cause of cystinosis and has been associated with dysregulation of transcription in PBMC isolated fromcystinosis patients (PMID: 21546516). This variant is a gross deletion of the genomic region encompassing exons 1-9 and the first 166 nucleotides of exon 10 of the CTNS gene, which includes the initiator codon. The 5' end of this event extends beyond the assayed region for this gene and therefore may encompass additional genes. This is expected to result in an absent or disrupted protein product.

Literature cited by the submitters: PubMed 21546516; PubMed 9537412; PubMed 27102039.

NC_000017.11:g.(?_3636418)_(3656815_?)del

Genes: CTNS (cystinosin, lysosomal cystine transporter; plus strand), CTNS-AS1 (CTNS antisense RNA 1; minus strand), LOC130059980 (ATAC-STARR-seq lymphoblastoid active region 11511; plus strand), LOC130059981 (ATAC-STARR-seq lymphoblastoid silent region 8015; plus strand). Cytogenetic location: 17p13.2.
Variant type: Deletion.
Identifiers: ClinVar variation 526033 (VCV000526033.6).